The following is an entry in ClinVar:

ClinVar aggregate classification (germline): Uncertain significance. Review status: criteria provided, multiple submitters, no conflicts (2 of 4 stars). 2 submissions from 2 submitters: Uncertain significance (2). Last evaluated 2025-08-02.

Conditions:
Inborn genetic diseases. Identifiers: MedGen C0950123, MeSH D030342.

Allele frequency attached by ClinVar (database versions not stated): gnomAD exomes 0.00001.
gnomAD v4.1: 7 of 1,613,492 alleles (0.00043%); highest among the groups gnomAD compares: African/African-American, 0.0013%; no homozygotes.

Submissions (2):

Ambry Genetics
Classification: Uncertain significance for Inborn genetic diseases. Last evaluated: 2025-08-02. Review status: criteria provided, single submitter. Criteria: Ambry Variant Classification Scheme 2023. Collection method: clinical testing. Allele origin: germline.

Labcorp Genetics (formerly Invitae), Labcorp
Classification: Uncertain significance. Last evaluated: 2021-10-20. Review status: criteria provided, single submitter. Criteria: Invitae Variant Classification Sherloc (09022015). Collection method: clinical testing. Allele origin: germline.
Comment: This sequence change replaces aspartic acid with asparagine at codon 2007 of the DMXL2 protein (p.Asp2007Asn). The aspartic acid residue is weakly conserved and there is a small physicochemical difference between aspartic acid and asparagine. This variant is not present in population databases (ExAC no frequency). This variant has not been reported in the literature in individuals with DMXL2-related conditions. Algorithms developed to predict the effect of missense changes on protein structure and function (SIFT, PolyPhen-2, Align-GVGD) all suggest that this variant is likely to be tolerated, but these predictions have not been confirmed by published functional studies and their clinical significance is uncertain. In summary, the available evidence is currently insufficient to determine the role of this variant in disease. Therefore, it has been classified as a Variant of Uncertain Significance.

NM_001378457.1(DMXL2):c.6019G>A (p.Asp2007Asn)

Gene: DMXL2 (Dmx like 2; minus strand). Cytogenetic location: 15q21.2.
Variant type: single nucleotide variant.
Coding change: c.6019G>A on transcript NM_001378457.1 (MANE Select); coding-DNA position 6019, G replaced by A.
Protein change: p.Asp2007Asn; replaces aspartic acid 2007 with asparagine.
Molecular consequence: missense variant. On other transcripts: non-coding transcript variant (2).
Genome position (GRCh38, 1-based): chr15:51,481,087, C>T on the plus strand (G>A on the coding strand, the complement: DMXL2 is on the minus strand). VCF-style: chr15-51481087-C-T. GRCh37 (hg19) VCF-style: chr15-51773284-C-T.
Other names: c.6019G>A (NM_001174116.1); c.6019G>A, p.Asp2007Asn (NM_001174116.3, NM_001378458.1, NM_001378459.1 and 4 more transcripts); c.4111G>A, p.Asp1371Asn (NM_001174117.3); c.4000G>A, p.Asp1334Asn (NM_001378460.1); c.5779G>A, p.Asp1927Asn (NM_001378464.1); short protein forms D1334N, D1927N, D2007N, D1371N.
Identifiers: ClinVar variation 1400433 (VCV001400433.7), dbSNP rs1286715544, ClinGen allele CA392444552.